The following is an entry in ClinVar:

ClinVar aggregate classification (germline): Uncertain significance. Review status: criteria provided, multiple submitters, no conflicts (2 of 4 stars). 5 submissions from 5 submitters: Uncertain significance (4). 1 of the submissions does not count toward it. Last evaluated 2024-07-31.

Conditions:
Familial cancer of breast. Also called: BREAST CANCER, FAMILIAL; hereditary breast carcinoma; Hereditary breast cancer. Identifiers: Orphanet 227535, MedGen C0346153, MONDO:0016419, OMIM 114480. Disease mechanism: loss of function.
Hereditary cancer-predisposing syndrome. Also called: Neoplastic Syndromes, Hereditary; Tumor predisposition; Hereditary Cancer Syndrome; Hereditary neoplastic syndrome. Identifiers: Orphanet 140162, MedGen C0027672, MeSH D009386, MONDO:0015356.

gnomAD v4.1: 1 of 1,613,842 alleles (0.000062%); highest among the groups gnomAD compares: Non-Finnish European, 0.000085%; no homozygotes.

Submissions (5):

KCCC/NGS Laboratory, Kuwait Cancer Control Center
Classification: Uncertain significance for Familial cancer of breast. Last evaluated: 2024-07-31. Review status: criteria provided, single submitter. Criteria: ACMG Guidelines, 2015. Collection method: clinical testing. Allele origin: germline. Inheritance: Autosomal dominant inheritance. Affected: yes. Observed: 1 heterozygote.
Comment: This sequence change replaces asparagine, which is neutral and polar, with lysine, which is basic and polar, at codon 450 of the BARD1 protein (p.Asn450Lys). An algorithm developed to predict the effect of missense changes on protein structure and function (PolyPhen-2) suggests that this variant¬† is likely to be tolerated. ClinVar contains an entry for this variant (Variation ID: 233950). This variant has not been reported in the literature in individuals affected with BARD1-related conditions. This variant is not present in population databases (gnomAD no frequency). . In summary, the available evidence is currently insufficient to determine the role of this variant in disease. Therefore, it has been classified as a Variant of Uncertain Significance.

Ambry Genetics
Classification: Uncertain significance for Hereditary cancer-predisposing syndrome. Last evaluated: 2024-03-13. Review status: criteria provided, single submitter. Criteria: Ambry Variant Classification Scheme 2023. Collection method: clinical testing. Allele origin: germline.
Comment: The p.N450K variant (also known as c.1350T>G), located in coding exon 5 of the BARD1 gene, results from a T to G substitution at nucleotide position 1350. The asparagine at codon 450 is replaced by lysine, an amino acid with similar properties. This alteration was seen in 1/732 breast cancer patients, 0/189 colorectal cancer patients and 0/490 cancer-free elderly controls in a Turkish population (Akcay IM et al. Int J Cancer, 2021 01;148:285-295). This amino acid position is not well conserved in available vertebrate species. In addition, this alteration is predicted to be tolerated by in silico analysis. Since supporting evidence is limited at this time, the clinical significance of this alteration remains unclear.

Labcorp Genetics (formerly Invitae), Labcorp
Classification: Uncertain significance for Familial cancer of breast. Last evaluated: 2023-04-01. Review status: criteria provided, single submitter. Criteria: Invitae Variant Classification Sherloc (09022015). Collection method: clinical testing. Allele origin: germline.
Comment: This sequence change replaces asparagine, which is neutral and polar, with lysine, which is basic and polar, at codon 450 of the BARD1 protein (p.Asn450Lys). This variant is not present in population databases (gnomAD no frequency). This variant has not been reported in the literature in individuals affected with BARD1-related conditions. ClinVar contains an entry for this variant (Variation ID: 233950). An algorithm developed to predict the effect of missense changes on protein structure and function (PolyPhen-2) suggests that this variant is likely to be tolerated. In summary, the available evidence is currently insufficient to determine the role of this variant in disease. Therefore, it has been classified as a Variant of Uncertain Significance.

Color Diagnostics, LLC DBA Color Health
Classification: Uncertain significance for Hereditary cancer-predisposing syndrome. Last evaluated: 2019-02-27. Review status: criteria provided, single submitter. Criteria: ACMG Guidelines, 2015. Collection method: clinical testing. Allele origin: germline.

Zotz-Klimas Genetics Lab, MVZ Zotz Klimas
Classification: Uncertain significance for Familial cancer of breast. Last evaluated: 2023-10-09. Review status: no assertion criteria provided. Collection method: clinical testing. Allele origin: germline. Affected: yes. Not counted in ClinVar's aggregate classification.

Literature cited by the submitters: PubMed 32658311 (cited by Ambry Genetics).

NM_000465.4(BARD1):c.1350T>G (p.Asn450Lys)

Gene: BARD1 (BRCA1 associated RING domain 1; minus strand). Cytogenetic location: 2q35.
Variant type: single nucleotide variant.
Coding change: c.1350T>G on transcript NM_000465.4 (MANE Select); coding-DNA position 1350, T replaced by G.
Protein change: p.Asn450Lys; replaces asparagine 450 with lysine.
Molecular consequence: missense variant. On other transcripts: non-coding transcript variant (3), intron variant (3).
Genome position (GRCh38, 1-based): chr2:214,769,277, A>C on the plus strand (T>G on the coding strand, the complement: BARD1 is on the minus strand). VCF-style: chr2-214769277-A-C. GRCh37 (hg19) VCF-style: chr2-215634001-A-C.
Other names: c.1293T>G, p.Asn431Lys (NM_001282543.2); c.159-16722T>G (NM_001282548.2); c.216-16722T>G (NM_001282545.2); c.364+23020T>G (NM_001282549.2); short protein forms N450K, N431K.
Identifiers: ClinVar variation 233950 (VCV000233950.20), dbSNP rs876660753, ClinGen allele CA10577807.